The following is an entry in ClinVar:

ClinVar aggregate classification (germline): Uncertain significance. Review status: criteria provided, multiple submitters, no conflicts (2 of 4 stars). 2 submissions from 2 submitters: Uncertain significance (2). Last evaluated 2025-05-24.

Conditions:
Inborn genetic diseases. Identifiers: MedGen C0950123, MeSH D030342.

gnomAD v4.1: 2 of 1,614,012 alleles (0.00012%); highest among the groups gnomAD compares: Non-Finnish European, 0.00017%; no homozygotes.

Submissions (2):

Ambry Genetics
Classification: Uncertain significance for Inborn genetic diseases. Last evaluated: 2025-05-24. Review status: criteria provided, single submitter. Criteria: Ambry Variant Classification Scheme 2023. Collection method: clinical testing. Allele origin: germline.
Comment: The p.I111V variant (also known as c.331A>G), located in coding exon 3 of the SBDS gene, results from an A to G substitution at nucleotide position 331. The isoleucine at codon 111 is replaced by valine, an amino acid with highly similar properties. This amino acid position is conserved. In addition, the in silico prediction for this alteration is inconclusive. Based on the available evidence, the clinical significance of this variant remains unclear.

GeneDx
Classification: Uncertain significance. Last evaluated: 2024-03-05. Review status: criteria provided, single submitter. Criteria: GeneDx Variant Classification Process June 2021. Collection method: clinical testing. Allele origin: germline. Affected: yes.
Comment: Not observed at significant frequency in large population cohorts (gnomAD); In silico analysis supports that this missense variant does not alter protein structure/function; Has not been previously published as pathogenic or benign to our knowledge

NM_016038.4(SBDS):c.331A>G (p.Ile111Val)

Gene: SBDS (SBDS ribosome maturation factor; minus strand). Cytogenetic location: 7q11.21.
Variant type: single nucleotide variant.
Coding change: c.331A>G on transcript NM_016038.4 (MANE Select); coding-DNA position 331, A replaced by G.
Protein change: p.Ile111Val; replaces isoleucine 111 with valine.
Molecular consequence: missense variant.
Genome position (GRCh38, 1-based): chr7:66,993,345, T>C on the plus strand (A>G on the coding strand, the complement: SBDS is on the minus strand). VCF-style: chr7-66993345-T-C. GRCh37 (hg19) VCF-style: chr7-66458332-T-C.
Other names: short protein forms I111V.
Identifiers: ClinVar variation 3369839 (VCV003369839.2).